The following is an entry in ClinVar:

NM_013266.4(CTNNA3):c.2567A>C (p.Lys856Thr)

Gene: CTNNA3 (catenin alpha 3; minus strand). Cytogenetic location: 10q21.3.
Variant type: single nucleotide variant.
Coding change: c.2567A>C on transcript NM_013266.4 (MANE Select); coding-DNA position 2567, A replaced by C.
Protein change: p.Lys856Thr; replaces lysine 856 with threonine.
Molecular consequence: missense variant.
Genome position (GRCh38, 1-based): chr10:65,920,451, T>G on the plus strand (A>C on the coding strand, the complement: CTNNA3 is on the minus strand). VCF-style: chr10-65920451-T-G. GRCh37 (hg19) VCF-style: chr10-67680209-T-G.
Other names: c.2567A>C, p.Lys856Thr (NM_001127384.3); short protein forms K856T.
Identifiers: ClinVar variation 2740322 (VCV002740322.3), dbSNP rs2492366894, ClinGen allele CA377088837.
Genomic context (GRCh38, chr10:65,920,451, plus strand): 5'-GCTGAGCCTCGTCTGACAGCTGCACACGTTTCCTCTGGCTTCTCTCTTTTAATCAAGGGT[T>G]TTTTTGCAGGAGCCTTCATTCTCCACATCACAACTGGGTGCCGGGGCCCAGCAGGACTCT-3'
Protein context (NP_037398.2, residues 846-866): VMWRMKAPAK[Lys856Thr]PLIKREKPEE

ClinVar aggregate classification (germline): Uncertain significance (1 of 4 stars; one submission).

Conditions:
Arrhythmogenic right ventricular dysplasia 13. Also called: Arrhythmogenic right ventricular dysplasia, familial, 13; ARRHYTHMOGENIC RIGHT VENTRICULAR CARDIOMYOPATHY 13. Identifiers: MedGen C3810138, MONDO:0000908, OMIM 615616.

Submission:

Labcorp Genetics (formerly Invitae), Labcorp
Classification: Uncertain significance for Arrhythmogenic right ventricular dysplasia 13. Last evaluated: 2024-01-18. Review status: criteria provided, single submitter. Criteria: Invitae Variant Classification Sherloc (09022015). Collection method: clinical testing. Allele origin: germline.
Comment: This sequence change replaces lysine, which is basic and polar, with threonine, which is neutral and polar, at codon 856 of the CTNNA3 protein (p.Lys856Thr). This variant is not present in population databases (gnomAD no frequency). This variant has not been reported in the literature in individuals affected with CTNNA3-related conditions. Advanced modeling of protein sequence and biophysical properties (such as structural, functional, and spatial information, amino acid conservation, physicochemical variation, residue mobility, and thermodynamic stability) performed at Invitae indicates that this missense variant is expected to disrupt CTNNA3 protein function with a positive predictive value of 80%. In summary, the available evidence is currently insufficient to determine the role of this variant in disease. Therefore, it has been classified as a Variant of Uncertain Significance.